The following is an entry in ClinVar:

NM_001386795.1(DTNA):c.1882G>A (p.Val628Ile)

Gene: DTNA (dystrobrevin alpha; plus strand). Cytogenetic location: 18q12.1.
Variant type: single nucleotide variant.
Coding change: c.1882G>A on transcript NM_001386795.1 (MANE Select); coding-DNA position 1882, G replaced by A.
Protein change: p.Val628Ile; replaces valine 628 with isoleucine.
Molecular consequence: missense variant.
Genome position (GRCh38, 1-based): chr18:34,875,377, G>A. VCF-style: chr18-34875377-G-A. GRCh37 (hg19) VCF-style: chr18-32455341-G-A.
Other names: c.1621G>A, p.Val541Ile (NM_001198938.2, NM_001386763.1, NM_001386764.1 and 5 more transcripts); c.1642G>A, p.Val548Ile (NM_001198939.2); c.1711G>A, p.Val571Ile (NM_001386759.1, NM_001386754.1, NM_001386755.1 and 3 more transcripts); c.1708G>A, p.Val570Ile (NM_001386760.1); c.1630G>A, p.Val544Ile (NM_001386761.1, NM_032975.4); c.1627G>A, p.Val543Ile (NM_001386762.1); c.1618G>A, p.Val540Ile (NM_001386768.1, NM_001386769.1); c.1882G>A, p.Val628Ile (NM_001386788.1); and 5 more; short protein forms V601I, V628I, V291I, V570I, V249I, V253I, V310I, V540I.
Identifiers: ClinVar variation 3676782 (VCV003676782.2).

ClinVar aggregate classification (germline): Uncertain significance (1 of 4 stars; one submission).

Conditions:
Left ventricular noncompaction 1 (LVNC1). Also called: LEFT VENTRICULAR NONCOMPACTION 1 WITH OR WITHOUT CONGENITAL HEART DEFECTS. Identifiers: Orphanet 54260, MedGen C1858725, MONDO:0011403, OMIM 604169.

gnomAD v4.1: 4 of 1,614,060 alleles (0.00025%); highest among the groups gnomAD compares: African/African-American, 0.004%; no homozygotes.

Submission:

Labcorp Genetics (formerly Invitae), Labcorp
Classification: Uncertain significance for Left ventricular noncompaction 1. Last evaluated: 2024-05-10. Review status: criteria provided, single submitter. Criteria: Invitae Variant Classification Sherloc (09022015). Collection method: clinical testing. Allele origin: germline.
Comment: This sequence change replaces valine, which is neutral and non-polar, with isoleucine, which is neutral and non-polar, at codon 601 of the DTNA protein (p.Val601Ile). The frequency data for this variant in the population databases is considered unreliable, as metrics indicate poor data quality at this position in the gnomAD database. This variant has not been reported in the literature in individuals affected with DTNA-related conditions. An algorithm developed to predict the effect of missense changes on protein structure and function (PolyPhen-2) suggests that this variant is likely to be disruptive. In summary, the available evidence is currently insufficient to determine the role of this variant in disease. Therefore, it has been classified as a Variant of Uncertain Significance.